The following is an entry in ClinVar:

NM_000179.3(MSH6):c.3646+1_3646+30delinsTCTC

Gene: MSH6 (mutS homolog 6; plus strand). Cytogenetic location: 2p16.3.
Variant type: Indel.
Coding change: c.3646+1_3646+30delinsTCTC on transcript NM_000179.3 (MANE Select); the canonical splice donor site of the intron after coding-DNA position 3646 through 30 bases into the intron after coding-DNA position 3646, GTAAGACATTAAACTTCTCATTTGAAGACT replaced by TCTC.
Molecular consequence: splice donor variant.
Genome position (GRCh38, 1-based): chr2:47,805,708-47,805,737, GTAAGACATTAAACTTCTCATTTGAAGACT replaced by TCTC. GRCh37 (hg19): chr2:48,032,847-48,032,876.
Other names: c.2740+1_2740+30delinsTCTC (NM_001281493.2, NM_001281494.2); c.3256+1_3256+30delinsTCTC (NM_001281492.2).
Identifiers: ClinVar variation 1733549 (VCV001733549.3), dbSNP rs2530826169, ClinGen allele CA2580067262.

ClinVar aggregate classification (germline): Pathogenic (1 of 4 stars; one submission).

Conditions:
Hereditary cancer-predisposing syndrome. Also called: Tumor predisposition; Hereditary Cancer Syndrome; Hereditary neoplastic syndrome; Neoplastic Syndromes, Hereditary. Identifiers: Orphanet 140162, MedGen C0027672, MeSH D009386, MONDO:0015356.

Submission:

Ambry Genetics
Classification: Pathogenic for Hereditary cancer-predisposing syndrome. Last evaluated: 2026-01-26. Review status: criteria provided, single submitter. Criteria: Ambry Variant Classification Scheme 2023. Collection method: clinical testing. Allele origin: germline.
Comment: The c.3646+1_3646+30del30insTCTC pathogenic mutation results from a deletion of 30 nucleotides and insertion of 4 nucleotides at positions c.3646+1 to 3646+30 and involves the canonical splice donor site after coding exon 7 of the MSH6 gene. The canonical splice donor site is highly conserved in available vertebrate species. In silico splice site analysis predicts that this alteration will weaken the native splice donor site. RNA studies have demonstrated that this alteration results in abnormal splicing in the set of samples tested (Ambry internal data). This variant is considered to be rare based on population cohorts in the Genome Aggregation Database (gnomAD). Alterations that disrupt the canonical splice site are expected to cause aberrant splicing, resulting in an abnormal protein or a transcript that is subject to nonsense-mediated mRNA decay. As such, this alteration is interpreted as a disease-causing mutation.